The following is an entry in ClinVar:

NM_006329.4(FBLN5):c.517C>T (p.Arg173Cys)

Gene: FBLN5 (fibulin 5; minus strand). Cytogenetic location: 14q32.12.
Variant type: single nucleotide variant.
Coding change: c.517C>T on transcript NM_006329.4 (MANE Select); coding-DNA position 517, C replaced by T.
Protein change: p.Arg173Cys; replaces arginine 173 with cysteine.
Molecular consequence: missense variant.
Genome position (GRCh38, 1-based): chr14:91,891,323, G>A on the plus strand (C>T on the coding strand, the complement: FBLN5 is on the minus strand). VCF-style: chr14-91891323-G-A. GRCh37 (hg19) VCF-style: chr14-92357667-G-A.
Other names: c.640C>T, p.Arg214Cys (NM_001384158.1); c.568C>T, p.Arg190Cys (NM_001384159.1); c.517C>T, p.Arg173Cys (NM_001384160.1); c.349C>T, p.Arg117Cys (NM_001384161.1, NM_001384162.1); short protein forms R190C, R214C, R173C, R117C.
Identifiers: ClinVar variation 2777610 (VCV002777610.3), dbSNP rs2542794895, ClinGen allele CA390643027.

ClinVar aggregate classification (germline): Uncertain significance (1 of 4 stars; one submission).

Allele frequency attached by ClinVar (database versions not stated): gnomAD exomes below 0.00001.

Submission:

Labcorp Genetics (formerly Invitae), Labcorp
Classification: Uncertain significance. Last evaluated: 2023-12-09. Review status: criteria provided, single submitter. Criteria: Invitae Variant Classification Sherloc (09022015). Collection method: clinical testing. Allele origin: germline.
Comment: This sequence change replaces arginine, which is basic and polar, with cysteine, which is neutral and slightly polar, at codon 173 of the FBLN5 protein (p.Arg173Cys). This variant is not present in population databases (gnomAD no frequency). This variant has not been reported in the literature in individuals affected with FBLN5-related conditions. Advanced modeling of protein sequence and biophysical properties (such as structural, functional, and spatial information, amino acid conservation, physicochemical variation, residue mobility, and thermodynamic stability) has been performed at Invitae for this missense variant, however the output from this modeling did not meet the statistical confidence thresholds required to predict the impact of this variant on FBLN5 protein function. In summary, the available evidence is currently insufficient to determine the role of this variant in disease. Therefore, it has been classified as a Variant of Uncertain Significance.